The following is an entry in ClinVar:

ClinVar aggregate classification (germline): Pathogenic. Review status: criteria provided, single submitter (1 of 4 stars). 2 submissions from 2 submitters: Pathogenic (1). 1 of the submissions does not count toward it. Last evaluated 2021-05-18.

Conditions:
Retinal dystrophy. Also called: Inherited retinal dystrophy. Identifiers: Orphanet 71862, MedGen C0854723, MeSH D058499, MONDO:0019118, HP:0000556.

Submissions (2):

Labcorp Genetics (formerly Invitae), Labcorp
Classification: Pathogenic. Last evaluated: 2021-05-18. Review status: criteria provided, single submitter. Criteria: Invitae Variant Classification Sherloc (09022015). Collection method: clinical testing. Allele origin: germline.
Comment: For these reasons, this variant has been classified as Pathogenic. This variant disrupts the C-terminus of the NDP protein. Other variant(s) that disrupt this region (p.Cys131*) have been determined to be pathogenic (PMID: 25711638, Invitae). This suggests that variants that disrupt this region of the protein are likely to be causative of disease. This variant has not been reported in the literature in individuals with NDP-related conditions. This variant is not present in population databases (ExAC no frequency). This sequence change creates a premature translational stop signal (p.Cys96*) in the NDP gene. While this is not anticipated to result in nonsense mediated decay, it is expected to disrupt the last 38 amino acid(s) of the NDP protein.

Institute of Human Genetics, Univ. Regensburg, Univ. Regensburg
Classification: Pathogenic for Retinal dystrophy. Last evaluated: 2012-01-01. Review status: no assertion criteria provided. Criteria: ACMG Guidelines, 2015. Collection method: clinical testing. Allele origin: germline. Affected: yes. Not counted in ClinVar's aggregate classification.

Literature cited by the submitters: PubMed 25711638 (cited by Labcorp Genetics (formerly Invitae), Labcorp).

NM_000266.4(NDP):c.288C>A (p.Cys96Ter)

Genes: NDP (norrin cystine knot growth factor NDP; minus strand), NDP-AS1 (NDP antisense RNA 1; plus strand). Cytogenetic location: Xp11.3.
Variant type: single nucleotide variant.
Coding change: c.288C>A on transcript NM_000266.4 (MANE Select); coding-DNA position 288, C replaced by A.
Protein change: p.Cys96Ter; replaces cysteine 96 with a stop codon.
Molecular consequence: nonsense. On other transcripts: non-coding transcript variant (1).
Genome position (GRCh38, 1-based): chrX:43,949,913, G>T on the plus strand (C>A on the coding strand, the complement: NDP is on the minus strand). VCF-style: chrX-43949913-G-T. GRCh37 (hg19) VCF-style: chrX-43809159-G-T.
Other names: short protein forms C96*.
Identifiers: ClinVar variation 1459580 (VCV001459580.9), dbSNP rs104894877, ClinGen allele CA413007526.
Genomic context (GRCh38, chrX:43,949,913, plus strand): 5'-GAGTCGCATGCCCCCTGAGCATCGCAGCCGCAGTGCCTTCAGCTTGGAAGTCTGGGGCCG[G>T]CAGCAGTGACAGGAGGAACGGAAGGGTTGCTTGAGGACAGTGCTGAACGACACCAAAGGC-3'